The following is an entry in ClinVar:

ClinVar aggregate classification (germline): Uncertain significance (1 of 4 stars; one submission).

gnomAD v4.1: 17 of 1,614,062 alleles (0.0011%); highest among the groups gnomAD compares: East Asian, 0.018%; no homozygotes.

Submission:

Labcorp Genetics (formerly Invitae), Labcorp
Classification: Uncertain significance. Last evaluated: 2024-05-05. Review status: criteria provided, single submitter. Criteria: Invitae Variant Classification Sherloc (09022015). Collection method: clinical testing. Allele origin: germline.
Comment: This sequence change affects codon 550 of the MICAL1 mRNA. It is a 'silent' change, meaning that it does not change the encoded amino acid sequence of the MICAL1 protein. This variant is present in population databases (rs150407538, gnomAD 0.007%). This variant has not been reported in the literature in individuals affected with MICAL1-related conditions. Algorithms developed to predict the effect of sequence changes on RNA splicing suggest that this variant may disrupt the consensus splice site. In summary, the available evidence is currently insufficient to determine the role of this variant in disease. Therefore, it has been classified as a Variant of Uncertain Significance.

NM_022765.4(MICAL1):c.1593C>T (p.Ser531=)

Gene: MICAL1 (microtubule associated monooxygenase, calponin and LIM domain containing 1; minus strand). Cytogenetic location: 6q21.
Variant type: single nucleotide variant.
Coding change: c.1593C>T on transcript NM_022765.4 (MANE Select); coding-DNA position 1593, C replaced by T.
Protein change: p.Ser531=; no amino-acid change (serine 531 retained).
Molecular consequence: synonymous variant.
Genome position (GRCh38, 1-based): chr6:109,448,803, G>A on the plus strand (C>T on the coding strand, the complement: MICAL1 is on the minus strand). VCF-style: chr6-109448803-G-A. GRCh37 (hg19) VCF-style: chr6-109770006-G-A.
Other names: c.1335C>T, p.Ser445= (NM_001159291.2); c.1650C>T, p.Ser550= (NM_001286613.2).
Identifiers: ClinVar variation 3648131 (VCV003648131.2).